The following is an entry in ClinVar:

NM_001034853.2(RPGR):c.2630del (p.Glu877fs)

Gene: RPGR (retinitis pigmentosa GTPase regulator; minus strand). Cytogenetic location: Xp11.4.
Variant type: Deletion.
Coding change: c.2630del on transcript NM_001034853.2 (MANE Select); coding-DNA position 2630, one base deleted (A; older notation c.2630delA).
Protein change: p.Glu877fs; shifts the reading frame from glutamic acid 877.
Molecular consequence: frameshift variant. On other transcripts: intron variant (8).
Genome position (GRCh38, 1-based): chrX:38,286,369, T deleted on the plus strand (A on the coding strand, the reverse complement: RPGR is on the minus strand). VCF-style (leftmost placement, unchanged base first): chrX-38286368-CT-C. GRCh37 (hg19) VCF-style: chrX-38145621-CT-C.
Other names: NM_001034853.2(RPGR):c.2630del; p.Glu877fs; c.1569+4590del (NM_001367249.1, NM_001367250.1); c.1902+725del (NM_001367245.1); c.1386+4590del (NM_001367251.1); c.1719+725del (NM_001367246.1); c.1572+4590del (NM_001367247.1); c.1905+725del (NM_000328.3); and 1 more; short protein forms E877fs.
Identifiers: ClinVar variation 1802366 (VCV001802366.17), dbSNP rs2519788765, ClinGen allele CA2497030006.
Genomic context (GRCh38, chrX:38,286,368, plus strand): 5'-CTCTTCTCCCTCCCCTTCTCCTTCCTCTTCTCCCTCCCCTTCTCCTTCCTCCTCTTCCCC[CT>C]CCCCTTCTCCTTCCTCCCCTTCTTCCTCCCCTTCTCCTTCTTCCCCTTCTTCCTCCCCTT-3'

ClinVar aggregate classification (germline): Pathogenic. Review status: reviewed by expert panel (3 of 4 stars). 4 submissions from 4 submitters: Pathogenic (1). 3 of the submissions do not count toward it. Last evaluated 2026-11-02.

Conditions:
Primary ciliary dyskinesia. Also called: Ciliary dyskinesia. Identifiers: Orphanet 244, MedGen C0008780, MONDO:0016575, HP:0012265.
RPGR-related retinopathy. Also called: RPGR retinopathy. Identifiers: MedGen CN305589, MONDO:0100437.
RPGR-related disorder. Also called: RPGR-related condition.

Submissions (4):

ClinGen X-linked Inherited Retinal Disease Variant Curation Expert Panel, ClinGen
Classification: Pathogenic for RPGR-related retinopathy. Last evaluated: 2026-11-02. Review status: reviewed by expert panel. Criteria: ClinGen X LinkedIRD ACMG Specifications RPGR V1.0.0. Collection method: curation. Allele origin: germline. Inheritance: X-linked inheritance.
Comment: NM_001034853.2(RPGR):c.2630del (p.Glu877GlyfsTer?) is a frameshift variant caused by a 1-nucleotide deletion, which introduces a premature stop codon within exon 15 of 15 that is predicted to disrupt a critical C-terminal region required for proper glutamylation of RPGR (PVS1, PMID: 36445968). This variant is absent from hemizygous individuals in gnomAD v4.1.2 (PM2_Supporting). At least one proband harboring this variant exhibits a phenotype including rod and cone attenuation by electroretinogram and/or fundus autofluorescence, first decade onset (1 point), night blindness (0.5 points), pigmentary retinopathy (0.5 points), family history consistent with X-linked inheritance, and myopia (0.5 points), which together are not sufficiently specific for RPGR-related retinopathy to meet PP4 (2.5 points, PMID: 36882936). The variant has been reported to segregate with retinal dystrophy through at least 5 affected meioses from 1 family (PMID: 36882936, PP1_Moderate). This variant has been reported in at least 3 apparently unrelated probands meeting one of the PS4 requirements of a male with some functional vision impairment by age 30 and/or decreased or absent ERG responses, or a female with functional visual abnormality and documentation of a male relative affected with retinitis pigmentosa (PMIDs: 30543658, 34287692, 36445968, 36646238, PS4_Moderate). In summary, this variant is classified as Pathogenic for RPGR-related retinopathy based on the ClinGen X-linked Inherited Retinal Disease Expert Panel Specifications to the ACMG/AMP Variant Interpretation Guidelines for RPGR Version 1.0.0: PVS1, PM2_Supporting, PS4_Moderate, PP4, and PP1_Moderate.

Labcorp Genetics (formerly Invitae), Labcorp
Classification: Pathogenic for Primary ciliary dyskinesia. Last evaluated: 2025-08-04. Review status: criteria provided, single submitter. Criteria: Invitae Variant Classification Sherloc (09022015). Collection method: clinical testing. Allele origin: germline. Not counted in ClinVar's aggregate classification.
Comment: This sequence change creates a premature translational stop signal (p.Glu877Glyfs*212) in the RPGR (ORF15) gene. While this is not anticipated to result in nonsense mediated decay, it is expected to disrupt the last 276 amino acid(s) of the RPGR (ORF15) protein. The frequency data for this variant in the population databases is considered unreliable, as metrics indicate insufficient coverage at this position in the gnomAD database. This premature translational stop signal has been observed in individual(s) with retinitis pigmentosa (PMID: 30543658). ClinVar contains an entry for this variant (Variation ID: 1802366). This variant disrupts a region of the RPGR (ORF15) protein in which other variant(s) (p.Leu1130Lysfs*13) have been determined to be pathogenic (PMID: 22264887; internal data). This suggests that this is a clinically significant region of the protein, and that variants that disrupt it are likely to be disease-causing. For these reasons, this variant has been classified as Pathogenic.

Blueprint Genetics
Classification: Pathogenic for RPGR-related disorders. Last evaluated: 2024-06-14. Review status: criteria provided, single submitter. Criteria: ACMG Guidelines, 2015. Collection method: clinical testing. Allele origin: germline. Affected: yes. Observed: 5 variant alleles. Not counted in ClinVar's aggregate classification.

PreventionGenetics, part of Exact Sciences
Classification: Likely pathogenic. Last evaluated: 2020-06-03. Review status: criteria provided, single submitter. Criteria: ACMG Guidelines, 2015. Collection method: clinical testing. Allele origin: germline. Not counted in ClinVar's aggregate classification.

Literature cited by the submitters: PubMed 30543658 (cited by Labcorp Genetics (formerly Invitae), Labcorp); PubMed 22264887 (cited by Labcorp Genetics (formerly Invitae), Labcorp).